The following is an entry in ClinVar:

NM_001042492.3(NF1):c.1846C>G (p.Gln616Glu)

Gene: NF1 (neurofibromin 1; plus strand). Cytogenetic location: 17q11.2.
Variant type: single nucleotide variant.
Coding change: c.1846C>G on transcript NM_001042492.3 (MANE Select); coding-DNA position 1846, C replaced by G.
Protein change: p.Gln616Glu; replaces glutamine 616 with glutamic acid.
Molecular consequence: missense variant.
Genome position (GRCh38, 1-based): chr17:31,225,095, C>G. VCF-style: chr17-31225095-C-G. GRCh37 (hg19) VCF-style: chr17-29552113-C-G.
Other names: c.1846C>G, p.Gln616Glu (NM_000267.4); short protein forms Q616E.
Identifiers: ClinVar variation 527462 (VCV000527462.13), dbSNP rs1555613543, ClinGen allele CA399005003.

ClinVar aggregate classification (germline): Uncertain significance. Review status: criteria provided, multiple submitters, no conflicts (2 of 4 stars). 4 submissions from 4 submitters: Uncertain significance (4). Last evaluated 2024-02-02.

Conditions:
Cardiovascular phenotype. Identifiers: MedGen CN230736.
Hereditary cancer-predisposing syndrome. Also called: Neoplastic Syndromes, Hereditary; Tumor predisposition; Hereditary neoplastic syndrome; Hereditary Cancer Syndrome. Identifiers: Orphanet 140162, MedGen C0027672, MeSH D009386, MONDO:0015356.
Neurofibromatosis, type 1 (NF1). Also called: VON RECKLINGHAUSEN DISEASE; NEUROFIBROMATOSIS, TYPE I, SOMATIC; Peripheral type neurofibromatosis; Neurofibromatosis, type I. Identifiers: Orphanet 636, MedGen C0027831, MONDO:0018975, OMIM 162200. Disease mechanism: loss of function.
Juvenile myelomonocytic leukemia (JMML). Also called: LEUKEMIA, JUVENILE MYELOMONOCYTIC, SOMATIC. Identifiers: Orphanet 86834, MedGen C0349639, MONDO:0011908, OMIM 607785, HP:0012209.
Café-au-lait macules with pulmonary stenosis (WTSN). Also called: PULMONIC STENOSIS WITH CAFE-AU-LAIT SPOTS. Identifiers: MedGen C0553586, MONDO:0008672, OMIM 193520.
Neurofibromatosis-Noonan syndrome (NFNS). Also called: NEUROFIBROMATOSIS WITH NOONAN PHENOTYPE. Identifiers: Orphanet 638, MedGen C2931482, MONDO:0011035, OMIM 601321. Disease mechanism: loss of function.
Neurofibromatosis, familial spinal (FSNF). Identifiers: Orphanet 636, MedGen C1834235, MONDO:0008078, OMIM 162210. Disease mechanism: loss of function.

Submissions (4):

Fulgent Genetics
Classification: Uncertain significance for Neurofibromatosis, type 1; Neurofibromatosis, familial spinal; Café-au-lait macules with pulmonary stenosis; Neurofibromatosis-Noonan syndrome; Juvenile myelomonocytic leukemia. Last evaluated: 2024-02-02. Review status: criteria provided, single submitter. Criteria: ACMG Guidelines, 2015. Collection method: clinical testing. Allele origin: germline.

Labcorp Genetics (formerly Invitae), Labcorp
Classification: Uncertain significance for Neurofibromatosis, type 1. Last evaluated: 2023-06-29. Review status: criteria provided, single submitter. Criteria: Invitae Variant Classification Sherloc (09022015). Collection method: clinical testing. Allele origin: germline.
Comment: In summary, the available evidence is currently insufficient to determine the role of this variant in disease. Therefore, it has been classified as a Variant of Uncertain Significance. Algorithms developed to predict the effect of sequence changes on RNA splicing suggest that this variant may disrupt the consensus splice site. An algorithm developed to predict the effect of missense changes on protein structure and function (PolyPhen-2) suggests that this variant is likely to be tolerated. ClinVar contains an entry for this variant (Variation ID: 527462). This missense change has been observed in individual(s) with clinical features of NF1-related conditions (PMID: 23758643). This variant is not present in population databases (gnomAD no frequency). This sequence change replaces glutamine, which is neutral and polar, with glutamic acid, which is acidic and polar, at codon 616 of the NF1 protein (p.Gln616Glu).

Ambry Genetics
Classification: Uncertain significance for Cardiovascular phenotype; Hereditary cancer-predisposing syndrome. Last evaluated: 2023-03-09. Review status: criteria provided, single submitter. Criteria: Ambry Variant Classification Scheme 2023. Collection method: clinical testing. Allele origin: germline.
Comment: The p.Q616E variant (also known as c.1846C>G) is located in coding exon 17 of the NF1 gene. The glutamine at codon 616 is replaced by glutamic acid, an amino acid with highly similar properties. This change occurs in the first base pair of coding exon 17. This alteration has been reported in an individual with cafe-au-lait macules and axillary or inguinal freckling (Nemethova M et al. Ann. Hum. Genet., 2013 Sep;77:364-79). This amino acid position is highly conserved in available vertebrate species. In addition, this alteration is predicted to be tolerated by in silico analysis. Since supporting evidence is limited at this time, the clinical significance of this alteration remains unclear.

Genome-Nilou Lab
Classification: Uncertain significance for Neurofibromatosis, type 1. Last evaluated: 2022-03-15. Review status: criteria provided, single submitter. Criteria: ACMG Guidelines, 2015. Collection method: clinical testing. Allele origin: germline. Affected: no.

Literature cited by the submitters: PubMed 23758643 (cited by Labcorp Genetics (formerly Invitae), Labcorp).